The following is an entry in ClinVar:

ClinVar aggregate classification (germline): Uncertain significance (1 of 4 stars; one submission).

Conditions:
Singleton-Merten syndrome 1 (SGMRT1). Also called: Widened medullary cavities of bone, aortic calcification, abnormal dentition, and muscular weakness; Syndrome of widened medullary cavities of the metacarpals and phalanges, aortic calcification and abnormal dentition. Identifiers: Orphanet 85191, MedGen C4225427, MONDO:0024535, OMIM 182250.
Aicardi-Goutieres syndrome 7 (AGS7). Identifiers: Orphanet 51, MedGen C3888244, MONDO:0014367, OMIM 615846.

Allele frequency attached by ClinVar (database versions not stated): gnomAD exomes below 0.00001; gnomAD 0.00001; 1000 Genomes Project 30x 0.00031.
gnomAD v4.1: 2 of 1,609,330 alleles (0.00012%); highest among the groups gnomAD compares: Non-Finnish European, 0.00017%; no homozygotes.

Submission:

Labcorp Genetics (formerly Invitae), Labcorp
Classification: Uncertain significance for Aicardi-Goutieres syndrome 7; Singleton-Merten syndrome 1. Last evaluated: 2023-09-20. Review status: criteria provided, single submitter. Criteria: Invitae Variant Classification Sherloc (09022015). Collection method: clinical testing. Allele origin: germline.
Comment: This variant is not present in population databases (gnomAD no frequency). This variant has not been reported in the literature in individuals affected with IFIH1-related conditions. Advanced modeling of protein sequence and biophysical properties (such as structural, functional, and spatial information, amino acid conservation, physicochemical variation, residue mobility, and thermodynamic stability) has been performed at Invitae for this missense variant, however the output from this modeling did not meet the statistical confidence thresholds required to predict the impact of this variant on IFIH1 protein function. In summary, the available evidence is currently insufficient to determine the role of this variant in disease. Therefore, it has been classified as a Variant of Uncertain Significance. This sequence change replaces isoleucine, which is neutral and non-polar, with valine, which is neutral and non-polar, at codon 442 of the IFIH1 protein (p.Ile442Val).

NM_022168.4(IFIH1):c.1324A>G (p.Ile442Val)

Gene: IFIH1 (interferon induced with helicase C domain 1; minus strand). Cytogenetic location: 2q24.2.
Variant type: single nucleotide variant.
Coding change: c.1324A>G on transcript NM_022168.4 (MANE Select); coding-DNA position 1324, A replaced by G.
Protein change: p.Ile442Val; replaces isoleucine 442 with valine.
Molecular consequence: missense variant.
Genome position (GRCh38, 1-based): chr2:162,281,528, T>C on the plus strand (A>G on the coding strand, the complement: IFIH1 is on the minus strand). VCF-style: chr2-162281528-T-C. GRCh37 (hg19) VCF-style: chr2-163138038-T-C.
Other names: short protein forms I442V.
Identifiers: ClinVar variation 2931227 (VCV002931227.3), dbSNP rs35329951, ClinGen allele CA59665016.